The following is an entry in ClinVar:

ClinVar aggregate classification (germline): Uncertain significance (1 of 4 stars; one submission).

gnomAD v4.1: 6 of 1,211,333 alleles (0.0005%); highest among the groups gnomAD compares: Non-Finnish European, 0.00045%; no homozygotes.

Submission:

GeneDx
Classification: Uncertain significance. Last evaluated: 2024-11-21. Review status: criteria provided, single submitter. Criteria: GeneDx Variant Classification Process June 2021. Collection method: clinical testing. Allele origin: germline. Affected: yes.
Comment: Observed in an individual with dilated cardiomyopathy in published literature (PMID: 31983221); Not observed at significant frequency in large population cohorts (gnomAD); In silico analysis supports that this missense variant has a deleterious effect on protein structure/function; Missense variant in a gene in which most reported pathogenic variants are truncating/loss of function; This variant is associated with the following publications: (PMID: 31983221)

NM_004006.3(DMD):c.1730A>G (p.Glu577Gly)

Gene: DMD (dystrophin; minus strand). Cytogenetic location: Xp21.1.
Variant type: single nucleotide variant.
Coding change: c.1730A>G on transcript NM_004006.3 (MANE Select); coding-DNA position 1730, A replaced by G.
Protein change: p.Glu577Gly; replaces glutamic acid 577 with glycine.
Molecular consequence: missense variant.
Genome position (GRCh38, 1-based): chrX:32,573,612, T>C on the plus strand (A>G on the coding strand, the complement: DMD is on the minus strand). VCF-style: chrX-32573612-T-C. GRCh37 (hg19) VCF-style: chrX-32591729-T-C.
Other names: c.1706A>G, p.Glu569Gly (NM_000109.4); c.1718A>G, p.Glu573Gly (NM_004009.3); c.1361A>G, p.Glu454Gly (NM_004010.3); short protein forms E454G, E569G, E573G, E577G.
Identifiers: ClinVar variation 3901514 (VCV003901514.1).